The following is an entry in ClinVar:

NM_003482.4(KMT2D):c.1911_1937del (p.Glu641_Glu649del)

Gene: KMT2D (lysine methyltransferase 2D; minus strand). Cytogenetic location: 12q13.12.
Variant type: Deletion.
Coding change: c.1911_1937del on transcript NM_003482.4 (MANE Select); coding-DNA positions 1911 to 1937, 27 bases deleted (ACCACCTGAAGAATCACCTATGTCCCC).
Protein change: p.Glu641_Glu649del.
Molecular consequence: inframe deletion.
Genome position (GRCh38, 1-based): chr12:49,051,746-49,051,772, GGGGACATAGGTGATTCTTCAGGTGGT deleted on the plus strand (ACCACCTGAAGAATCACCTATGTCCCC on the coding strand, the reverse complement: KMT2D is on the minus strand); deleting any 27 consecutive bases within chr12:49,051,746-49,051,783 gives the same sequence; the c. name uses the placement nearest the transcript's 3' end. VCF-style (leftmost placement, unchanged base first): chr12-49051745-GGGGGACATAGGTGATTCTTCAGGTGGT-G. GRCh37 (hg19) VCF-style: chr12-49445528-GGGGGACATAGGTGATTCTTCAGGTGGT-G.
Identifiers: ClinVar variation 1254540 (VCV001254540.5), dbSNP rs773977533, ClinGen allele CA6548391.

ClinVar aggregate classification (germline): Conflicting classifications of pathogenicity. Review status: criteria provided, conflicting classifications (1 of 4 stars). 2 submissions from 2 submitters: Uncertain significance (1); Likely benign (1). Last evaluated 2024-02-02.

Conditions:
Kabuki syndrome. Also called: Kabuki make-up syndrome; NIIKAWA-KUROKI SYNDROME. Identifiers: Orphanet 2322, MedGen C0796004, MONDO:0016512.

Submissions (2):

Labcorp Genetics (formerly Invitae), Labcorp
Classification: Uncertain significance for Kabuki syndrome. Last evaluated: 2024-02-02. Review status: criteria provided, single submitter. Criteria: Invitae Variant Classification Sherloc (09022015). Collection method: clinical testing. Allele origin: germline.
Comment: This variant, c.1911_1937del, results in the deletion of 9 amino acid(s) of the KMT2D protein (p.Glu641_Glu649del), but otherwise preserves the integrity of the reading frame. This variant is present in population databases (rs773977533, gnomAD 0.009%). This variant has not been reported in the literature in individuals affected with KMT2D-related conditions. ClinVar contains an entry for this variant (Variation ID: 1254540). In summary, the available evidence is currently insufficient to determine the role of this variant in disease. Therefore, it has been classified as a Variant of Uncertain Significance.

GeneDx
Classification: Likely benign. Last evaluated: 2021-06-02. Review status: criteria provided, single submitter. Criteria: GeneDx Variant Classification Process June 2021. Collection method: clinical testing. Allele origin: germline. Affected: yes.
Comment: In-frame deletion of 9 amino acids in a non-repeat region; In silico analysis supports that this variant does not alter protein structure/function; Has not been previously published as pathogenic or benign to our knowledge